The following is an entry in ClinVar:

ClinVar aggregate classification (germline): Uncertain significance. Review status: criteria provided, multiple submitters, no conflicts (2 of 4 stars). 3 submissions from 3 submitters: Uncertain significance (3). Last evaluated 2022-07-05.

Conditions:
Inborn genetic diseases. Identifiers: MedGen C0950123, MeSH D030342.
Vanishing white matter disease. Also called: CACH syndrome; Childhood ataxia with diffuse central nervous system hypomyelination; Leukoencephalopathy with vanishing white matter; CACH/VWM syndrome; Cree leukoencehalopathy. Identifiers: Orphanet 135, Orphanet 99853, MedGen C1858991, MONDO:0800448.

Allele frequency attached by ClinVar (database versions not stated): ExAC 0.00004; gnomAD 0.00005 and 0.00006; gnomAD exomes 0.00005 and 0.00006; TOPMed 0.00007; ESP Exome Variant Server 0.00008.
gnomAD v4.1: 79 of 1,613,180 alleles (0.0049%); highest among the groups gnomAD compares: Admixed American, 0.0083%; no homozygotes.

Submissions (3):

Labcorp Genetics (formerly Invitae), Labcorp
Classification: Uncertain significance. Last evaluated: 2022-07-05. Review status: criteria provided, single submitter. Criteria: Invitae Variant Classification Sherloc (09022015). Collection method: clinical testing. Allele origin: germline.
Comment: This sequence change replaces valine, which is neutral and non-polar, with methionine, which is neutral and non-polar, at codon 212 of the EIF2B3 protein (p.Val212Met). This variant is present in population databases (rs373839928, gnomAD 0.01%). This variant has not been reported in the literature in individuals affected with EIF2B3-related conditions. ClinVar contains an entry for this variant (Variation ID: 297444). Algorithms developed to predict the effect of missense changes on protein structure and function are either unavailable or do not agree on the potential impact of this missense change (SIFT: "Deleterious"; PolyPhen-2: "Benign"; Align-GVGD: "Class C0"). In summary, the available evidence is currently insufficient to determine the role of this variant in disease. Therefore, it has been classified as a Variant of Uncertain Significance.

Ambry Genetics
Classification: Uncertain significance for Inborn genetic diseases. Last evaluated: 2021-09-17. Review status: criteria provided, single submitter. Criteria: Ambry Variant Classification Scheme 2023. Collection method: clinical testing. Allele origin: germline.

Illumina Laboratory Services, Illumina
Classification: Uncertain significance for Leukoencephalopathy with vanishing white matter 1. Last evaluated: 2018-01-13. Review status: criteria provided, single submitter. Criteria: ICSL Variant Classification Criteria 13 December 2019. Collection method: clinical testing. Allele origin: germline.

NM_020365.5(EIF2B3):c.634G>A (p.Val212Met)

Gene: EIF2B3 (eukaryotic translation initiation factor 2B subunit gamma; minus strand). Cytogenetic location: 1p34.1.
Variant type: single nucleotide variant.
Coding change: c.634G>A on transcript NM_020365.5 (MANE Select); coding-DNA position 634, G replaced by A.
Protein change: p.Val212Met; replaces valine 212 with methionine.
Molecular consequence: missense variant.
Genome position (GRCh38, 1-based): chr1:44,897,377, C>T on the plus strand (G>A on the coding strand, the complement: EIF2B3 is on the minus strand). VCF-style: chr1-44897377-C-T. GRCh37 (hg19) VCF-style: chr1-45363049-C-T.
Other names: c.634G>A (NM_020365.3); c.634G>A, p.Val212Met (NM_001166588.3, NM_001261418.2); short protein forms V212M.
Identifiers: ClinVar variation 297444 (VCV000297444.7), dbSNP rs373839928, ClinGen allele CA823964.